The following is an entry in ClinVar:

NM_015443.4(KANSL1):c.812C>T (p.Ser271Phe)

Gene: KANSL1 (KAT8 regulatory NSL complex subunit 1). Cytogenetic location: 17q21.31.
Variant type: single nucleotide variant.
Coding change: c.812C>T on transcript NM_015443.4 (MANE Select); coding-DNA position 812, C replaced by T.
Protein change: p.Ser271Phe; replaces serine 271 with phenylalanine.
Molecular consequence: missense variant.
Genome position (GRCh38, 1-based): chr17:46,171,332, G>A on the plus strand (C>T on the coding strand, the complement: KANSL1 is on the minus strand). VCF-style: chr17-46171332-G-A. GRCh37 (hg19) VCF-style: chr17-44248698-G-A.
Other names: c.812C>T, p.Ser271Phe (NM_001193465.2, NM_001193466.2, NM_001379198.1); short protein forms S271F.
Identifiers: ClinVar variation 646765 (VCV000646765.1), dbSNP rs1597872380, ClinGen allele CA399980638.

ClinVar aggregate classification (germline): Uncertain significance (1 of 4 stars; one submission).

Conditions:
Koolen-de Vries syndrome (KDVS). Identifiers: Orphanet 96169, MedGen C1864871, MONDO:0012496, OMIM 610443.

Allele frequency attached by ClinVar (database versions not stated): TOPMed below 0.00001.
gnomAD v4.1: 10 of 1,614,196 alleles (0.00062%); highest among the groups gnomAD compares: Non-Finnish European, 0.00085%; no homozygotes.

Submission:

Labcorp Genetics (formerly Invitae), Labcorp
Classification: Uncertain significance for Koolen-de Vries syndrome. Last evaluated: 2018-07-12. Review status: criteria provided, single submitter. Criteria: Invitae Variant Classification Sherloc (09022015). Collection method: clinical testing. Allele origin: germline.
Comment: This sequence change replaces serine with phenylalanine at codon 271 of the KANSL1 protein (p.Ser271Phe). The serine residue is highly conserved and there is a large physicochemical difference between serine and phenylalanine. This variant is not present in population databases (ExAC no frequency). This variant has not been reported in the literature in individuals with KANSL1-related disease. Algorithms developed to predict the effect of missense changes on protein structure and function are either unavailable or do not agree on the potential impact of this missense change (SIFT: "Deleterious"; PolyPhen-2: "Benign"; Align-GVGD: "Class C25"). In summary, the available evidence is currently insufficient to determine the role of this variant in disease. Therefore, it has been classified as a Variant of Uncertain Significance.